The following is an entry in ClinVar:

NM_001257096.2(PAX1):c.-7C>T

Gene: PAX1 (paired box 1; plus strand). Cytogenetic location: 20p11.22.
Variant type: single nucleotide variant.
Coding change: c.-7C>T on transcript NM_001257096.2 (MANE Select); 7 bases upstream of the start codon, C replaced by T.
Molecular consequence: 5 prime UTR variant.
Genome position (GRCh38, 1-based): chr20:21,705,706, C>T. VCF-style: chr20-21705706-C-T. GRCh37 (hg19) VCF-style: chr20-21686344-C-T.
Other names: c.-7C>T (NM_006192.5).
Identifiers: ClinVar variation 4684414 (VCV004684414.2).
Genomic context (GRCh38, chr20:21,705,706, plus strand): 5'-TGGAGGACACGTCAAATTGATTCCCGCACGCTGCAGCCTCCCGGTCAGACGAATTTCTCC[C>T]AATCGGATGAAGTTCACCCTGGGCCTGGGGTCGCGGGCGTGGAGAGTGTCCTGGGAGGGG-3'

ClinVar aggregate classification (germline): Benign/Likely benign. Review status: criteria provided, multiple submitters, no conflicts (2 of 4 stars). 2 submissions from 2 submitters: Benign (1); Likely benign (1). Last evaluated 2026-03-31.

Submissions (2):

Women's Health and Genetics/Laboratory Corporation of America, LabCorp
Classification: Benign. Last evaluated: 2026-03-31. Review status: criteria provided, single submitter. Criteria: LabCorp Variant Classification Summary - May 2015. Collection method: clinical testing. Allele origin: germline.
Comment: Variant summary: PAX1 c.-7C>T is located in the untranslated mRNA region upstream of the initiation codon. The variant allele was found at a frequency of 0.0031 in 23402 control chromosomes. The observed variant frequency exceeds the estimated maximal expected allele frequency for disease-causing variants in PAX1. To our knowledge, no occurrence of c.-7C>T in individuals affected with PAX1-related conditions and no experimental evidence demonstrating its impact on protein function have been reported. ClinVar contains an entry for this variant (Variation ID: 4684414). Based on the evidence outlined above, the variant was classified as benign.

Mayo Clinic Laboratories, Mayo Clinic
Classification: Likely benign. Last evaluated: 2025-02-22. Review status: criteria provided, single submitter. Criteria: ACMG Guidelines, 2015. Collection method: clinical testing. Allele origin: germline. Observed: 2 variant alleles.
Comment: BS1, BP4